The following is an entry in ClinVar:

NC_000013.10:g.(?_32928978)_(32937690_?)del

Gene: BRCA2 (BRCA2 DNA repair associated; plus strand). Cytogenetic location: 13q13.1.
Variant type: Deletion.
Identifiers: ClinVar variation 1074103 (VCV001074103.10).

ClinVar aggregate classification (germline): Pathogenic (1 of 4 stars; one submission).

Conditions:
Hereditary breast ovarian cancer syndrome. Also called: Hereditary breast and ovarian cancer syndrome (HBOC); Hereditary breast and/or ovarian cancer syndrome; Hereditary breast and ovarian cancer; BRCA1- and BRCA2-Associated Hereditary Breast and Ovarian Cancer; Hereditary breast and ovarian cancer syndrome; Breast and ovarian cancer. Identifiers: Orphanet 145, MedGen C0677776, MeSH D061325, MONDO:0003582. Disease mechanism: loss of function.

Submission:

Labcorp Genetics (formerly Invitae), Labcorp
Classification: Pathogenic for Hereditary breast ovarian cancer syndrome. Last evaluated: 2023-08-30. Review status: criteria provided, single submitter. Criteria: Invitae Variant Classification Sherloc (09022015). Collection method: clinical testing. Allele origin: germline.
Comment: This variant is a gross deletion of the genomic region encompassing exon(s) 14-18 of the BRCA2 gene. This deletion is out-of-frame, and is expected to create a premature termination codon and result in an absent or disrupted protein product. Loss-of-function variants in BRCA2 are known to be pathogenic (PMID: 20104584). A similar copy number variant has been observed in individual(s) with breast or thyroid cancers (PMID: 26556299, 29582426). For these reasons, this variant has been classified as Pathogenic.

Literature cited by the submitters: PubMed 20104584; PubMed 26556299; PubMed 29582426.